The following is an entry in ClinVar:

ClinVar aggregate classification (germline): Pathogenic (1 of 4 stars; one submission).

Conditions:
COG5-congenital disorder of glycosylation. Also called: COG5-CDG; CONGENITAL DISORDER OF GLYCOSYLATION, TYPE IIi; CDG IIi. Identifiers: Orphanet 263487, MedGen C3150876, MONDO:0013325, OMIM 613612.

Allele frequency attached by ClinVar (database versions not stated): gnomAD exomes below 0.00001; ExAC 0.00001; TOPMed 0.00001.
gnomAD v4.1: 1 of 1,613,270 alleles (0.000062%); highest among the groups gnomAD compares: Admixed American, 0.0017%; no homozygotes.

Submission:

Labcorp Genetics (formerly Invitae), Labcorp
Classification: Pathogenic for COG5-congenital disorder of glycosylation. Last evaluated: 2022-11-22. Review status: criteria provided, single submitter. Criteria: Invitae Variant Classification Sherloc (09022015). Collection method: clinical testing. Allele origin: germline.
Comment: This variant is present in population databases (rs778187974, gnomAD 0.003%). For these reasons, this variant has been classified as Pathogenic. ClinVar contains an entry for this variant (Variation ID: 1423715). This variant has not been reported in the literature in individuals affected with COG5-related conditions. This sequence change creates a premature translational stop signal (p.Gln574*) in the COG5 gene. It is expected to result in an absent or disrupted protein product. Loss-of-function variants in COG5 are known to be pathogenic (PMID: 23228021).

Literature cited by the submitters: PubMed 23228021.

NM_006348.5(COG5):c.1627C>T (p.Gln543Ter)

Genes: COG5 (component of oligomeric golgi complex 5; minus strand), LOC129389837 (MPRA-validated peak6677 silencer; plus strand). Cytogenetic location: 7q22.3.
Variant type: single nucleotide variant.
Coding change: c.1627C>T on transcript NM_006348.5 (MANE Select); coding-DNA position 1627, C replaced by T.
Protein change: p.Gln543Ter; replaces glutamine 543 with a stop codon.
Molecular consequence: nonsense. On other transcripts: intron variant (1).
Genome position (GRCh38, 1-based): chr7:107,258,332, G>A on the plus strand (C>T on the coding strand, the complement: COG5 is on the minus strand). VCF-style: chr7-107258332-G-A. GRCh37 (hg19) VCF-style: chr7-106898777-G-A.
Other names: c.1627C>T, p.Gln543Ter (NM_001161520.2, NM_001379513.1, NM_001379514.1 and 1 more transcripts); c.1465C>T, p.Gln489Ter (NM_001379511.1); c.1057C>T, p.Gln353Ter (NM_001379515.1); c.913C>T, p.Gln305Ter (NM_001379516.1); c.1576-9833C>T (NM_001379512.1); short protein forms Q305*, Q353*, Q489*, Q543*.
Identifiers: ClinVar variation 1423715 (VCV001423715.6), dbSNP rs778187974, ClinGen allele CA4430845.